The following is an entry in ClinVar:

NM_002872.5(RAC2):c.*3-2A>C

Gene: RAC2 (Rac family small GTPase 2; minus strand). Cytogenetic location: 22q13.1.
Variant type: single nucleotide variant.
Coding change: c.*3-2A>C on transcript NM_002872.5 (MANE Select); the canonical splice acceptor site of the intron before 3 bases downstream of the stop codon, A replaced by C.
Molecular consequence: splice acceptor variant.
Genome position (GRCh38, 1-based): chr22:37,226,041, T>G on the plus strand (A>C on the coding strand, the complement: RAC2 is on the minus strand). VCF-style: chr22-37226041-T-G. GRCh37 (hg19) VCF-style: chr22-37622081-T-G.
Identifiers: ClinVar variation 4527095 (VCV004527095.1).

ClinVar aggregate classification (germline): Uncertain significance (1 of 4 stars; one submission).

Submission:

GeneDx
Classification: Uncertain significance. Last evaluated: 2025-04-25. Review status: criteria provided, single submitter. Criteria: GeneDx Variant Classification Process June 2021. Collection method: clinical testing. Allele origin: germline. Affected: yes.
Comment: Has not been previously published as pathogenic or benign to our knowledge; No data available from control populations to assess the frequency of this variant; In silico analysis is inconclusive as to whether the variant alters gene splicing. In the absence of RNA/functional studies, the actual effect of this sequence change is unknown.